The following is an entry in ClinVar:

ClinVar aggregate classification (germline): Pathogenic (1 of 4 stars; one submission).

Submission:

GeneDx
Classification: Pathogenic. Last evaluated: 2017-02-14. Review status: criteria provided, single submitter. Criteria: GeneDx Variant Classification (06012015). Collection method: clinical testing. Allele origin: germline. Affected: yes.
Comment: The L665X variant in the SETD5 gene has not been reported previously as a pathogenic variant noras a benign variant, to our knowledge. This variant is predicted to cause loss of normal proteinfunction either through protein truncation or nonsense-mediated mRNA decay. The L665X variant isnot observed in large population cohorts (Lek et al., 2016; 1000 Genomes Consortium et al., 2015;Exome Variant Server). We interpret L665X as a pathogenic variant.

NM_001080517.3(SETD5):c.1993del (p.Ser664_Leu665insTer)

Gene: SETD5 (SET domain containing 5; plus strand). Cytogenetic location: 3p25.3.
Variant type: Deletion.
Coding change: c.1993del on transcript NM_001080517.3 (MANE Select); coding-DNA position 1993, one base deleted (C; older notation c.1993delC).
Protein change: p.Ser664_Leu665insTer.
Molecular consequence: nonsense.
Genome position (GRCh38, 1-based): chr3:9,447,896, C deleted. VCF-style (leftmost placement, unchanged base first): chr3-9447895-TC-T. GRCh37 (hg19) VCF-style: chr3-9489579-TC-T.
Other names: c.1699del, p.Ser566_Leu567insTer (NM_001292043.2, NM_001349451.2).
Identifiers: ClinVar variation 423395 (VCV000423395.2), dbSNP rs1064796399, ClinGen allele CA16618012.